The following is an entry in ClinVar:

ClinVar aggregate classification (germline): Uncertain significance. Review status: criteria provided, multiple submitters, no conflicts (2 of 4 stars). 3 submissions from 3 submitters: Uncertain significance (3). Last evaluated 2024-01-17.

Conditions:
Hereditary nonpolyposis colorectal neoplasms. Identifiers: MedGen C0009405, MeSH D003123.
Hereditary cancer-predisposing syndrome. Also called: Hereditary Cancer Syndrome; Neoplastic Syndromes, Hereditary; Tumor predisposition; Hereditary neoplastic syndrome. Identifiers: Orphanet 140162, MedGen C0027672, MeSH D009386, MONDO:0015356.

Allele frequency attached by ClinVar (database versions not stated): gnomAD exomes below 0.00001; ExAC 0.00001.

Submissions (3):

Labcorp Genetics (formerly Invitae), Labcorp
Classification: Uncertain significance for Hereditary nonpolyposis colorectal neoplasms. Last evaluated: 2024-01-17. Review status: criteria provided, single submitter. Criteria: Invitae Variant Classification Sherloc (09022015). Collection method: clinical testing. Allele origin: germline.
Comment: This sequence change replaces isoleucine, which is neutral and non-polar, with phenylalanine, which is neutral and non-polar, at codon 856 of the MSH6 protein (p.Ile856Phe). This variant is not present in population databases (gnomAD no frequency). This variant has not been reported in the literature in individuals affected with MSH6-related conditions. ClinVar contains an entry for this variant (Variation ID: 489983). Advanced modeling of protein sequence and biophysical properties (such as structural, functional, and spatial information, amino acid conservation, physicochemical variation, residue mobility, and thermodynamic stability) performed at Invitae indicates that this missense variant is not expected to disrupt MSH6 protein function with a negative predictive value of 95%. In summary, the available evidence is currently insufficient to determine the role of this variant in disease. Therefore, it has been classified as a Variant of Uncertain Significance.

Ambry Genetics
Classification: Uncertain significance for Hereditary cancer-predisposing syndrome. Last evaluated: 2023-07-25. Review status: criteria provided, single submitter. Criteria: Ambry Variant Classification Scheme 2023. Collection method: clinical testing. Allele origin: germline.
Comment: The p.I856F variant (also known as c.2566A>T), located in coding exon 4 of the MSH6 gene, results from an A to T substitution at nucleotide position 2566. The isoleucine at codon 856 is replaced by phenylalanine, an amino acid with highly similar properties. This amino acid position is not well conserved in available vertebrate species. In addition, the in silico prediction for this alteration is inconclusive. Since supporting evidence is limited at this time, the clinical significance of this alteration remains unclear.

Color Diagnostics, LLC DBA Color Health
Classification: Uncertain significance for Hereditary cancer-predisposing syndrome. Last evaluated: 2018-08-02. Review status: criteria provided, single submitter. Criteria: ACMG Guidelines, 2015. Collection method: clinical testing. Allele origin: germline.

NM_000179.3(MSH6):c.2566A>T (p.Ile856Phe)

Gene: MSH6 (mutS homolog 6; plus strand). Cytogenetic location: 2p16.3.
Variant type: single nucleotide variant.
Coding change: c.2566A>T on transcript NM_000179.3 (MANE Select); coding-DNA position 2566, A replaced by T.
Protein change: p.Ile856Phe; replaces isoleucine 856 with phenylalanine.
Molecular consequence: missense variant.
Genome position (GRCh38, 1-based): chr2:47,800,549, A>T. VCF-style: chr2-47800549-A-T. GRCh37 (hg19) VCF-style: chr2-48027688-A-T.
Other names: c.2176A>T, p.Ile726Phe (NM_001281492.2); c.1660A>T, p.Ile554Phe (NM_001281493.2, NM_001281494.2); short protein forms I856F, I554F, I726F.
Identifiers: ClinVar variation 489983 (VCV000489983.8), dbSNP rs765012437, ClinGen allele CA069195.